The following is an entry in ClinVar:

ClinVar aggregate classification (germline): Likely pathogenic (1 of 4 stars; one submission).

Conditions:
Leigh syndrome (NULS). Also called: Leigh's necrotizing encephalopathy; Leigh's disease; Leigh Syndrome (mtDNA deletion); Leigh Disease; Subacute necrotizing encephalopathy; Necrotizing encephalopathy infantile subacute of Leigh. Identifiers: Orphanet 506, MedGen C2931891, MONDO:0009723, OMIM 256000.

gnomAD v4.1: 3 of 705,580 alleles (0.00043%); highest among the groups gnomAD compares: South Asian, 0.0034%; no homozygotes.

Submission:

Labcorp Genetics (formerly Invitae), Labcorp
Classification: Likely pathogenic for Leigh syndrome. Last evaluated: 2023-05-22. Review status: criteria provided, single submitter. Criteria: Invitae Variant Classification Sherloc (09022015). Collection method: clinical testing. Allele origin: germline.
Comment: This sequence change affects a donor splice site in intron 1 of the SURF1 gene. RNA analysis indicates that disruption of this splice site induces altered splicing and may result in an absent or disrupted protein product. In summary, the currently available evidence indicates that the variant is pathogenic, but additional data are needed to prove that conclusively. Therefore, this variant has been classified as Likely Pathogenic. Studies have shown that disruption of this splice site results in altered splicing and introduces a premature termination codon (PMID: 22410471). The resulting mRNA is expected to undergo nonsense-mediated decay. Disruption of this splice site has been observed in individual(s) with Leigh syndrome (PMID: 22410471, 31967322, 32020600). This variant is not present in population databases (gnomAD no frequency).

Literature cited by the submitters: PubMed 22410471; PubMed 31967322; PubMed 32020600.

NM_003172.4(SURF1):c.54+1G>A

Genes: SURF1 (SURF1 cytochrome c oxidase assembly factor; minus strand), LOC130002899 (ATAC-STARR-seq lymphoblastoid silent region 20452; plus strand). Cytogenetic location: 9q34.2.
Variant type: single nucleotide variant.
Coding change: c.54+1G>A on transcript NM_003172.4 (MANE Select); the canonical splice donor site of the intron after coding-DNA position 54, G replaced by A.
Molecular consequence: splice donor variant.
Genome position (GRCh38, 1-based): chr9:133,356,399, C>T on the plus strand (G>A on the coding strand, the complement: SURF1 is on the minus strand). VCF-style: chr9-133356399-C-T. GRCh37 (hg19) VCF-style: chr9-136223275-C-T.
Other names: c.-222+1G>A (NM_001280787.1).
Identifiers: ClinVar variation 2867169 (VCV002867169.3), dbSNP rs1588693774, ClinGen allele CA375695123.